The following is an entry in ClinVar:

ClinVar aggregate classification (germline): Uncertain significance. Review status: criteria provided, multiple submitters, no conflicts (2 of 4 stars). 3 submissions from 3 submitters: Uncertain significance (3). Last evaluated 2024-06-01.

Conditions:
Deficiency of adenosine deaminase 2. Also called: Adenosine Deaminase 2 Deficiency; VASCULITIS, AUTOINFLAMMATION, IMMUNODEFICIENCY, AND HEMATOLOGIC DEFECTS SYNDROME; Polyarteritis nodosa, childhoood-onset. Identifiers: Orphanet 404553, MedGen C3887654, MONDO:0014306, OMIM 615688, MONDO:0100317.
Sneddon syndrome (SNDNS). Also called: LIVEDO RETICULARIS AND CEREBROVASCULAR ACCIDENTS; Idiopathic livedo reticularis with systemic involvement. Identifiers: Orphanet 820, MedGen C0282492, MONDO:0008436, OMIM 182410.

Allele frequency attached by ClinVar (database versions not stated): TOPMed 0.00005.
gnomAD v4.1: 14 of 1,613,934 alleles (0.00087%); highest among the groups gnomAD compares: Non-Finnish European, 0.0011%; no homozygotes.

Submissions (3):

Fulgent Genetics
Classification: Uncertain significance for Sneddon syndrome; Deficiency of adenosine deaminase 2. Last evaluated: 2024-06-01. Review status: criteria provided, single submitter. Criteria: ACMG Guidelines, 2015. Collection method: clinical testing. Allele origin: germline.

Labcorp Genetics (formerly Invitae), Labcorp
Classification: Uncertain significance for Deficiency of adenosine deaminase 2. Last evaluated: 2022-06-11. Review status: criteria provided, single submitter. Criteria: Invitae Variant Classification Sherloc (09022015). Collection method: clinical testing. Allele origin: germline.
Comment: This sequence change replaces valine, which is neutral and non-polar, with alanine, which is neutral and non-polar, at codon 458 of the ADA2 protein (p.Val458Ala). This variant is present in population databases (no rsID available, gnomAD 0.007%). This variant has not been reported in the literature in individuals affected with ADA2-related conditions. ClinVar contains an entry for this variant (Variation ID: 862378). Algorithms developed to predict the effect of missense changes on protein structure and function output the following: SIFT: "Tolerated"; PolyPhen-2: "Benign"; Align-GVGD: "Class C0". The alanine amino acid residue is found in multiple mammalian species, which suggests that this missense change does not adversely affect protein function. In summary, the available evidence is currently insufficient to determine the role of this variant in disease. Therefore, it has been classified as a Variant of Uncertain Significance.

Genetic Services Laboratory, University of Chicago
Classification: Uncertain significance. Last evaluated: 2021-06-08. Review status: criteria provided, single submitter. Criteria: ACMG Guidelines, 2015. Collection method: clinical testing. Allele origin: germline. Affected: no.
Comment: DNA sequence analysis of the ADA2 gene demonstrated a sequence change, c.1373T>C, in exon 9 that results in an amino acid change, p.Val458Ala. This sequence change has been described in the gnomAD database with a frequency of 0.0065% in the European (Non-Finnish) subpopulation (dbSNP rs748893301). The p.Val458Ala change affects a poorly conserved amino acid residue located in a domain of the ADA2 protein that is known to be functional. The p.Val458Ala substitution appears to be benign using several in-silico pathogenicity prediction tools (SIFT, PolyPhen2, Align GVGD, REVEL). This sequence change does not appear to have been previously described in patients with ADA2-related disorders, however a sequence change at the same position resulting in an alternate amino acid change, c.1373T>A (p.Val458Asp) has been reported in multiple individual in the compound heterozygous state with ADA2-related disorders (PMID: 28493328, 32535845, 29963054). Due to insufficient evidences and the lack of functional studies, the clinical significance of the p.Val458Ala change remains unknown at this time.

NM_001282225.2(ADA2):c.1373T>C (p.Val458Ala)

Gene: ADA2 (adenosine deaminase 2; minus strand). Cytogenetic location: 22q11.1.
Variant type: single nucleotide variant.
Coding change: c.1373T>C on transcript NM_001282225.2 (MANE Select); coding-DNA position 1373, T replaced by C.
Protein change: p.Val458Ala; replaces valine 458 with alanine.
Molecular consequence: missense variant.
Genome position (GRCh38, 1-based): chr22:17,181,889, A>G on the plus strand (T>C on the coding strand, the complement: ADA2 is on the minus strand). VCF-style: chr22-17181889-A-G. GRCh37 (hg19) VCF-style: chr22-17662779-A-G.
Other names: c.1373T>C, p.Val458Ala (NM_001282226.2); c.1247T>C, p.Val416Ala (NM_001282227.2, NM_001282228.2); c.1013T>C, p.Val338Ala (NM_001282229.2); c.650T>C, p.Val217Ala (NM_177405.3); short protein forms V458A, V217A, V338A, V416A.
Identifiers: ClinVar variation 862378 (VCV000862378.11), dbSNP rs748893301, ClinGen allele CA321169617.